The following is an entry in ClinVar:

NM_024675.4(PALB2):c.2804C>T (p.Ala935Val)

Gene: PALB2 (partner and localizer of BRCA2; minus strand). Cytogenetic location: 16p12.2.
Variant type: single nucleotide variant.
Coding change: c.2804C>T on transcript NM_024675.4 (MANE Select); coding-DNA position 2804, C replaced by T.
Protein change: p.Ala935Val; replaces alanine 935 with valine.
Molecular consequence: missense variant.
Genome position (GRCh38, 1-based): chr16:23,624,039, G>A on the plus strand (C>T on the coding strand, the complement: PALB2 is on the minus strand). VCF-style: chr16-23624039-G-A. GRCh37 (hg19) VCF-style: chr16-23635360-G-A.
Other names: short protein forms A935V.
Identifiers: ClinVar variation 410146 (VCV000410146.11), dbSNP rs769009609, ClinGen allele CA16614851.
Genomic context (GRCh38, chr16:23,624,039, plus strand): 5'-AAAACAAATCACTCCTTGGGAATTACATACCTGATCTCTCTGATTTCCAAATTTCCCAAA[G>A]CTACACACACGAGATTATACACATCAGGCACTGGAACTATCTGTAATACTGGAACCTAAA-3'
Protein context (NP_078951.2, residues 925-945): VPDVYNLVCV[Ala935Val]LGNLEIREIR

ClinVar aggregate classification (germline): Uncertain significance. Review status: criteria provided, multiple submitters, no conflicts (2 of 4 stars). 2 submissions from 2 submitters: Uncertain significance (2). Last evaluated 2025-10-31.

Conditions:
Familial cancer of breast. Also called: BREAST CANCER, FAMILIAL; Hereditary breast cancer; hereditary breast carcinoma. Identifiers: Orphanet 227535, MedGen C0346153, MONDO:0016419, OMIM 114480. Disease mechanism: loss of function.

Submissions (2):

Labcorp Genetics (formerly Invitae), Labcorp
Classification: Uncertain significance for Familial cancer of breast. Last evaluated: 2025-10-31. Review status: criteria provided, single submitter. Criteria: Invitae Variant Classification Sherloc (09022015). Collection method: clinical testing. Allele origin: germline.
Comment: This sequence change replaces alanine, which is neutral and non-polar, with valine, which is neutral and non-polar, at codon 935 of the PALB2 protein (p.Ala935Val). This variant is not present in population databases (gnomAD no frequency). This variant has not been reported in the literature in individuals affected with PALB2-related conditions. ClinVar contains an entry for this variant (Variation ID: 410146). Invitae Evidence Modeling of protein sequence and biophysical properties (such as structural, functional, and spatial information, amino acid conservation, physicochemical variation, residue mobility, and thermodynamic stability) indicates that this missense variant is expected to disrupt PALB2 protein function with a positive predictive value of 80%. In summary, the available evidence is currently insufficient to determine the role of this variant in disease. Therefore, it has been classified as a Variant of Uncertain Significance.

GeneDx
Classification: Uncertain significance. Last evaluated: 2021-06-15. Review status: criteria provided, single submitter. Criteria: GeneDx Variant Classification Process June 2021. Collection method: clinical testing. Allele origin: germline. Affected: yes.
Comment: Not observed at significant frequency in large population cohorts (Lek 2016); In silico analysis supports that this missense variant has a deleterious effect on protein structure/function; Has not been previously published as pathogenic or benign to our knowledge; This variant is associated with the following publications: (PMID: 24485656, 19609323, 20871615, 27535533)